The following is an entry in ClinVar:

NM_000092.5(COL4A4):c.3397G>A (p.Gly1133Ser)

Gene: COL4A4 (collagen type IV alpha 4 chain; minus strand). Cytogenetic location: 2q36.3.
Variant type: single nucleotide variant.
Coding change: c.3397G>A on transcript NM_000092.5 (MANE Select); coding-DNA position 3397, G replaced by A.
Protein change: p.Gly1133Ser; replaces glycine 1133 with serine.
Molecular consequence: missense variant.
Genome position (GRCh38, 1-based): chr2:227,043,077, C>T on the plus strand (G>A on the coding strand, the complement: COL4A4 is on the minus strand). VCF-style: chr2-227043077-C-T. GRCh37 (hg19) VCF-style: chr2-227907793-C-T.
Other names: short protein forms G1133S.
Identifiers: ClinVar variation 4713931 (VCV004713931.1).

ClinVar aggregate classification (germline): Uncertain significance (1 of 4 stars; one submission).

Submission:

Labcorp Genetics (formerly Invitae), Labcorp
Classification: Uncertain significance. Last evaluated: 2025-02-26. Review status: criteria provided, single submitter. Criteria: Invitae Variant Classification Sherloc (09022015). Collection method: clinical testing. Allele origin: germline.
Comment: This sequence change replaces glycine, which is neutral and non-polar, with serine, which is neutral and polar, at codon 1133 of the COL4A4 protein (p.Gly1133Ser). This variant also falls at the last nucleotide of exon 36, which is part of the consensus splice site for this exon. This variant is not present in population databases (gnomAD no frequency). This variant has not been reported in the literature in individuals affected with COL4A4-related conditions. Experimental studies and prediction algorithms are not available or were not evaluated, and the functional significance of this variant is currently unknown. Variants that disrupt the consensus splice site are a relatively common cause of aberrant splicing (PMID: 17576681, 9536098). Algorithms developed to predict the effect of sequence changes on RNA splicing suggest that this variant may disrupt the consensus splice site. In summary, the available evidence is currently insufficient to determine the role of this variant in disease. Therefore, it has been classified as a Variant of Uncertain Significance.

Literature cited by the submitters: PubMed 17576681; PubMed 9536098.